The following is an entry in ClinVar:

ClinVar aggregate classification (germline): Uncertain significance (1 of 4 stars; one submission).

Conditions:
Cardiovascular phenotype. Identifiers: MedGen CN230736.

gnomAD v4.1: 1 of 1,613,642 alleles (0.000062%); highest among the groups gnomAD compares: Non-Finnish European, 0.000085%; no homozygotes.

Submission:

Ambry Genetics
Classification: Uncertain significance for Cardiovascular phenotype. Last evaluated: 2024-12-20. Review status: criteria provided, single submitter. Criteria: Ambry Variant Classification Scheme 2023. Collection method: clinical testing. Allele origin: germline.
Comment: The p.G252E variant (also known as c.755G>A), located in coding exon 8 of the ANKRD1 gene, results from a G to A substitution at nucleotide position 755. The glycine at codon 252 is replaced by glutamic acid, an amino acid with similar properties. This amino acid position is conserved. In addition, this alteration is predicted to be deleterious by in silico analysis. Based on the available evidence, the clinical significance of this variant remains unclear.

NM_014391.3(ANKRD1):c.755G>A (p.Gly252Glu)

Gene: ANKRD1 (ankyrin repeat domain 1; minus strand). Cytogenetic location: 10q23.31.
Variant type: single nucleotide variant.
Coding change: c.755G>A on transcript NM_014391.3 (MANE Select); coding-DNA position 755, G replaced by A.
Protein change: p.Gly252Glu; replaces glycine 252 with glutamic acid.
Molecular consequence: missense variant.
Genome position (GRCh38, 1-based): chr10:90,915,637, C>T on the plus strand (G>A on the coding strand, the complement: ANKRD1 is on the minus strand). VCF-style: chr10-90915637-C-T. GRCh37 (hg19) VCF-style: chr10-92675394-C-T.
Other names: short protein forms G252E.
Identifiers: ClinVar variation 3866147 (VCV003866147.1).